The following is an entry in ClinVar:

ClinVar aggregate classification (germline): Benign. Review status: criteria provided, multiple submitters, no conflicts (2 of 4 stars). 5 submissions from 5 submitters: Benign (5). Last evaluated 2026-02-04.

Conditions:
Osteogenesis imperfecta type I (OI1). Also called: OI, TYPE I; OSTEOGENESIS IMPERFECTA TARDA; OSTEOGENESIS IMPERFECTA WITH BLUE SCLERAE; Osteogenesis imperfecta type 1; Lobstein's Disease; Lobstein disease. Identifiers: Orphanet 216796, Orphanet 666, MedGen C0023931, MONDO:0008146, OMIM 166200. Disease mechanism: loss of function.

Allele frequency attached by ClinVar (database versions not stated): gnomAD 0.11584 and 0.12150; ESP Exome Variant Server 0.12471; TOPMed 0.12666; 1000 Genomes Project 0.12919; 1000 Genomes Project 30x 0.13648; gnomAD exomes 0.03053 and 0.04763; ExAC 0.05537.
gnomAD v4.1: 62,984 of 1,613,074 alleles (3.9%); highest among the groups gnomAD compares: African/African-American, 36%; 5,595 homozygotes.

Submissions (5):

Labcorp Genetics (formerly Invitae), Labcorp
Classification: Benign for Osteogenesis imperfecta type I. Last evaluated: 2026-02-04. Review status: criteria provided, single submitter. Criteria: Invitae Variant Classification Sherloc (09022015). Collection method: clinical testing. Allele origin: germline.

Blueprint Genetics
Classification: Benign. Last evaluated: 2024-11-27. Review status: criteria provided, single submitter. Criteria: ACMG Guidelines, 2015. Collection method: clinical testing. Allele origin: germline.

GeneDx
Classification: Benign. Last evaluated: 2016-04-15. Review status: criteria provided, single submitter. Criteria: GeneDx Variant Classification (06012015). Collection method: clinical testing. Allele origin: germline. Affected: yes.
Comment: This variant is considered likely benign or benign based on one or more of the following criteria: it is a conservative change, it occurs at a poorly conserved position in the protein, it is predicted to be benign by multiple in silico algorithms, and/or has population frequency not consistent with disease.

Breakthrough Genomics
Classification: Benign. Review status: criteria provided, single submitter. Criteria: ACMG Guidelines, 2015. Collection method: not provided. Allele origin: germline. Inheritance: Autosomal dominant inheritance. Affected: yes.

PreventionGenetics, part of Exact Sciences
Classification: Benign. Review status: criteria provided, single submitter. Criteria: ACMG Guidelines, 2015. Collection method: clinical testing. Allele origin: germline.

NM_000088.4(COL1A1):c.642+18A>C

Gene: COL1A1 (collagen type I alpha 1 chain; minus strand). Cytogenetic location: 17q21.33.
Variant type: single nucleotide variant.
Coding change: c.642+18A>C on transcript NM_000088.4 (MANE Select); 18 bases into the intron after coding-DNA position 642, A replaced by C.
Molecular consequence: intron variant.
Genome position (GRCh38, 1-based): chr17:50,197,931, T>G on the plus strand (A>C on the coding strand, the complement: COL1A1 is on the minus strand). VCF-style: chr17-50197931-T-G. GRCh37 (hg19) VCF-style: chr17-48275292-T-G.
Identifiers: ClinVar variation 254950 (VCV000254950.12), dbSNP rs16948767, ClinGen allele CA8645625.